The following is an entry in ClinVar:

ClinVar aggregate classification (germline): Uncertain significance. Review status: criteria provided, multiple submitters, no conflicts (2 of 4 stars). 5 submissions from 5 submitters: Uncertain significance (5). Last evaluated 2026-03-13.

Conditions:
Microcephaly 5, primary, autosomal recessive (MCPH5). Also called: ASPM Primary Microcephaly. Identifiers: Orphanet 2512, MedGen C1837501, MONDO:0012106, OMIM 608716.
Inborn genetic diseases. Identifiers: MedGen C0950123, MeSH D030342.

Allele frequency attached by ClinVar (database versions not stated): TOPMed 0.00007; gnomAD exomes 0.00009 and 0.00012; gnomAD 0.00010; ExAC 0.00012; ESP Exome Variant Server 0.00023.

Submissions (5):

Women's Health and Genetics/Laboratory Corporation of America, LabCorp
Classification: Uncertain significance. Last evaluated: 2026-03-13. Review status: criteria provided, single submitter. Criteria: LabCorp Variant Classification Summary - May 2015. Collection method: clinical testing. Allele origin: germline.
Comment: Variant summary: ASPM c.4985T>G (p.Ile1662Ser) results in a non-conservative amino acid change in the encoded protein sequence. Algorithms developed to predict the effect of missense changes on protein structure and function all suggest that this variant is likely to be disruptive. The variant allele was found at a frequency of 0.00012 in 249400 control chromosomes. This frequency is not significantly higher than estimated for disease-causing variants in ASPM, allowing no conclusion about variant significance. To our knowledge, no occurrence of c.4985T>G in individuals affected with ASPM-related conditions and no experimental evidence demonstrating its impact on protein function have been reported. ClinVar contains an entry for this variant (Variation ID: 876853). Based on the evidence outlined above, the variant was classified as uncertain significance.

Labcorp Genetics (formerly Invitae), Labcorp
Classification: Uncertain significance. Last evaluated: 2025-07-10. Review status: criteria provided, single submitter. Criteria: Invitae Variant Classification Sherloc (09022015). Collection method: clinical testing. Allele origin: germline.
Comment: This sequence change replaces isoleucine, which is neutral and non-polar, with serine, which is neutral and polar, at codon 1662 of the ASPM protein (p.Ile1662Ser). This variant is present in population databases (rs147839989, gnomAD 0.03%). This variant has not been reported in the literature in individuals affected with ASPM-related conditions. ClinVar contains an entry for this variant (Variation ID: 876853). Invitae Evidence Modeling of protein sequence and biophysical properties (such as structural, functional, and spatial information, amino acid conservation, physicochemical variation, residue mobility, and thermodynamic stability) indicates that this missense variant is expected to disrupt ASPM protein function with a positive predictive value of 80%. In summary, the available evidence is currently insufficient to determine the role of this variant in disease. Therefore, it has been classified as a Variant of Uncertain Significance.

Ambry Genetics
Classification: Uncertain significance for Inborn genetic diseases. Last evaluated: 2024-11-26. Review status: criteria provided, single submitter. Criteria: Ambry Variant Classification Scheme 2023. Collection method: clinical testing. Allele origin: germline.

Genome-Nilou Lab
Classification: Uncertain significance for Microcephaly 5, primary, autosomal recessive. Last evaluated: 2023-04-11. Review status: criteria provided, single submitter. Criteria: ACMG Guidelines, 2015. Collection method: clinical testing. Allele origin: germline. Affected: no.

Illumina Laboratory Services, Illumina
Classification: Uncertain significance for Microcephaly 5, primary, autosomal recessive. Last evaluated: 2018-02-09. Review status: criteria provided, single submitter. Criteria: ICSL Variant Classification Criteria 13 December 2019. Collection method: clinical testing. Allele origin: germline.

NM_018136.5(ASPM):c.4985T>G (p.Ile1662Ser)

Gene: ASPM (assembly factor for spindle microtubules; minus strand). Cytogenetic location: 1q31.3.
Variant type: single nucleotide variant.
Coding change: c.4985T>G on transcript NM_018136.5 (MANE Select); coding-DNA position 4985, T replaced by G.
Protein change: p.Ile1662Ser; replaces isoleucine 1662 with serine.
Molecular consequence: missense variant. On other transcripts: intron variant (1).
Genome position (GRCh38, 1-based): chr1:197,104,266, A>C on the plus strand (T>G on the coding strand, the complement: ASPM is on the minus strand). VCF-style: chr1-197104266-A-C. GRCh37 (hg19) VCF-style: chr1-197073396-A-C.
Other names: c.4066-8102T>G (NM_001206846.2); short protein forms I1662S.
Identifiers: ClinVar variation 876853 (VCV000876853.11), dbSNP rs147839989, ClinGen allele CA1309830.